The following is an entry in ClinVar:

NM_144999.4(LRRC45):c.1265G>A (p.Cys422Tyr)

Gene: LRRC45 (leucine rich repeat containing 45; plus strand). Cytogenetic location: 17q25.3.
Variant type: single nucleotide variant.
Coding change: c.1265G>A on transcript NM_144999.4 (MANE Select); coding-DNA position 1265, G replaced by A.
Protein change: p.Cys422Tyr; replaces cysteine 422 with tyrosine.
Molecular consequence: missense variant.
Genome position (GRCh38, 1-based): chr17:82,028,640, G>A. VCF-style: chr17-82028640-G-A. GRCh37 (hg19) VCF-style: chr17-79986516-G-A.
Other names: c.1265G>A (NM_144999.3); short protein forms C422Y.
Identifiers: ClinVar variation 4100466 (VCV004100466.2).

ClinVar aggregate classification (germline): Uncertain significance. Review status: criteria provided, multiple submitters, no conflicts (2 of 4 stars). 2 submissions from 2 submitters: Uncertain significance (2). Last evaluated 2026-01-16.

Conditions:
LRRC45-related disorder. Also called: LRRC45-related condition.

gnomAD v4.1: 25 of 1,612,830 alleles (0.0016%); highest among the groups gnomAD compares: Middle Eastern, 0.049%; no homozygotes.

Submissions (2):

PreventionGenetics, part of Exact Sciences
Classification: Uncertain significance for LRRC45-related condition. Last evaluated: 2026-01-16. Review status: criteria provided, single submitter. Criteria: ACMG Guidelines, 2015. Collection method: clinical testing. Allele origin: germline.
Comment: The LRRC45 c.1265G>A variant is predicted to result in the amino acid substitution p.Cys422Tyr. To our knowledge, this variant has not been reported in the literature. This variant is reported in 0.0018% of alleles in individuals of European (Non-Finnish) descent in gnomAD. At this time, the clinical significance of this variant is uncertain due to the absence of conclusive functional and genetic evidence.

Ambry Genetics
Classification: Uncertain significance. Last evaluated: 2025-06-16. Review status: criteria provided, single submitter. Criteria: Ambry Variant Classification Scheme 2023. Collection method: clinical testing. Allele origin: germline.